The following is an entry in ClinVar:

NM_033116.6(NEK9):c.994A>G (p.Ser332Gly)

Gene: NEK9 (NIMA related kinase 9; minus strand). Cytogenetic location: 14q24.3.
Variant type: single nucleotide variant.
Coding change: c.994A>G on transcript NM_033116.6 (MANE Select); coding-DNA position 994, A replaced by G.
Protein change: p.Ser332Gly; replaces serine 332 with glycine.
Molecular consequence: missense variant.
Genome position (GRCh38, 1-based): chr14:75,109,873, T>C on the plus strand (A>G on the coding strand, the complement: NEK9 is on the minus strand). VCF-style: chr14-75109873-T-C. GRCh37 (hg19) VCF-style: chr14-75576576-T-C.
Other names: c.994A>G, p.Ser332Gly (NM_001329237.2); c.640A>G, p.Ser214Gly (NM_001329238.2); short protein forms S214G, S332G.
Identifiers: ClinVar variation 4687371 (VCV004687371.1).

ClinVar aggregate classification (germline): Uncertain significance (1 of 4 stars; one submission).

Submission:

Women's Health and Genetics/Laboratory Corporation of America, LabCorp
Classification: Uncertain significance. Last evaluated: 2025-10-10. Review status: criteria provided, single submitter. Criteria: LabCorp Variant Classification Summary - May 2015. Collection method: clinical testing. Allele origin: germline.
Comment: Variant summary: NEK9 c.994A>G (p.Ser332Gly) results in a non-conservative amino acid change in the encoded protein sequence. Algorithms developed to predict the effect of missense changes on protein structure and function are either unavailable or do not agree on the potential impact of this missense change. The variant was absent in 240178 control chromosomes. The available data on variant occurrences in the general population are insufficient to allow any conclusion about variant significance. To our knowledge, no occurrence of c.994A>G in individuals affected with NEK9-related conditions and no experimental evidence demonstrating its impact on protein function have been reported. No submitters have cited clinical-significance assessments for this variant to ClinVar. Based on the evidence outlined above, the variant was classified as uncertain significance.